The following is an entry in ClinVar:

ClinVar aggregate classification (germline): Uncertain significance (1 of 4 stars; one submission).

gnomAD v4.1: 1 of 1,614,246 alleles (0.000062%); highest among the groups gnomAD compares: Non-Finnish European, 0.000085%; no homozygotes.

Submission:

Labcorp Genetics (formerly Invitae), Labcorp
Classification: Uncertain significance. Last evaluated: 2025-02-06. Review status: criteria provided, single submitter. Criteria: Invitae Variant Classification Sherloc (09022015). Collection method: clinical testing. Allele origin: germline.
Comment: This sequence change replaces asparagine, which is neutral and polar, with lysine, which is basic and polar, at codon 84 of the GSN protein (p.Asn84Lys). This variant is not present in population databases (gnomAD no frequency). This variant has not been reported in the literature in individuals affected with GSN-related conditions. An algorithm developed to predict the effect of missense changes on protein structure and function outputs the following: PolyPhen-2: "Benign". The lysine amino acid residue is found in multiple mammalian species, which suggests that this missense change does not adversely affect protein function. In summary, the available evidence is currently insufficient to determine the role of this variant in disease. Therefore, it has been classified as a Variant of Uncertain Significance.

NM_198252.3(GSN):c.99C>A (p.Asn33Lys)

Gene: GSN (gelsolin; plus strand). Cytogenetic location: 9q33.2.
Variant type: single nucleotide variant.
Coding change: c.99C>A on transcript NM_198252.3 (MANE Select); coding-DNA position 99, C replaced by A.
Protein change: p.Asn33Lys; replaces asparagine 33 with lysine.
Molecular consequence: missense variant. On other transcripts: intron variant (1).
Genome position (GRCh38, 1-based): chr9:121,302,070, C>A. VCF-style: chr9-121302070-C-A. GRCh37 (hg19) VCF-style: chr9-124064348-C-A.
Other names: c.252C>A, p.Asn84Lys (NM_000177.5); c.99C>A, p.Asn33Lys (NM_001127662.2, NM_001127664.2, NM_001127665.2 and 10 more transcripts); c.207C>A, p.Asn69Lys (NM_001127663.2); c.132C>A, p.Asn44Lys (NM_001127666.2, NM_001127667.2, NM_001353063.2 and 13 more transcripts); c.150C>A, p.Asn50Lys (NM_001258029.2); c.123C>A, p.Asn41Lys (NM_001258030.2); c.171C>A, p.Asn57Lys (NM_001353076.2); c.-458-841C>A (NM_001353078.2); short protein forms N33K, N41K, N44K, N50K, N57K, N69K, N84K.
Identifiers: ClinVar variation 4811666 (VCV004811666.1).